The following is an entry in ClinVar:

ClinVar aggregate classification (germline): Pathogenic (1 of 4 stars; one submission).

Conditions:
Catecholaminergic polymorphic ventricular tachycardia 1. Also called: VENTRICULAR TACHYCARDIA, CATECHOLAMINERGIC POLYMORPHIC, 1, WITH OR WITHOUT ATRIAL DYSFUNCTION AND/OR DILATED CARDIOMYOPATHY; VENTRICULAR TACHYCARDIA, STRESS-INDUCED POLYMORPHIC 1; RYR2-Related Catecholaminergic Polymorphic Ventricular Tachycardia. Identifiers: Orphanet 3286, MedGen C1631597, MONDO:0011484, OMIM 604772.

Submission:

Labcorp Genetics (formerly Invitae), Labcorp
Classification: Pathogenic for Catecholaminergic polymorphic ventricular tachycardia 1. Last evaluated: 2023-12-11. Review status: criteria provided, single submitter. Criteria: Invitae Variant Classification Sherloc (09022015). Collection method: clinical testing. Allele origin: germline.
Comment: This sequence change replaces glutamine, which is neutral and polar, with histidine, which is basic and polar, at codon 4159 of the RYR2 protein (p.Gln4159His). This variant is not present in population databases (gnomAD no frequency). This missense change has been observed in individual(s) with sudden cardiac arrest (Invitae). In at least one individual the variant was observed to be de novo. ClinVar contains an entry for this variant (Variation ID: 578246). Advanced modeling of protein sequence and biophysical properties (such as structural, functional, and spatial information, amino acid conservation, physicochemical variation, residue mobility, and thermodynamic stability) performed at Invitae indicates that this missense variant is expected to disrupt RYR2 protein function with a positive predictive value of 95%. This variant disrupts the p.Gln4159 amino acid residue in RYR2. Other variant(s) that disrupt this residue have been determined to be pathogenic (PMID: 24793461; Invitae). This suggests that this residue is clinically significant, and that variants that disrupt this residue are likely to be disease-causing. For these reasons, this variant has been classified as Pathogenic.

Literature cited by the submitters: PubMed 24793461.

NM_001035.3(RYR2):c.12477G>T (p.Gln4159His)

Genes: RYR2 (ryanodine receptor 2; plus strand), LOC126806068 (BRD4-independent group 4 enhancer GRCh37_chr1:237947411-237948610; plus strand). Cytogenetic location: 1q43.
Variant type: single nucleotide variant.
Coding change: c.12477G>T on transcript NM_001035.3 (MANE Select); coding-DNA position 12477, G replaced by T.
Protein change: p.Gln4159His; replaces glutamine 4159 with histidine.
Molecular consequence: missense variant.
Genome position (GRCh38, 1-based): chr1:237,784,189, G>T. VCF-style: chr1-237784189-G-T. GRCh37 (hg19) VCF-style: chr1-237947489-G-T.
Other names: c.12477G>T, p.Gln4159His (LRG_402t1); short protein forms Q4159H.
Identifiers: ClinVar variation 578246 (VCV000578246.11), dbSNP rs1558405653, ClinGen allele CA345413422.
Genomic context (GRCh38, chr1:237,784,189, plus strand): 5'-GGGAAGCGCCAAACGCATCGAGAGGGTCTATTTTGAAATCAGTGAGTCCAGCCGAACCCA[G>T]TGGGAGAAGCCCCAGGTCAAGGAGTCCAAAAGACAGTTCATATTTGACGTGGTCAACGAA-3'
Protein context (NP_001026.2, residues 4149-4169): YFEISESSRT[Gln4159His]WEKPQVKESK